The following is an entry in ClinVar:

NM_013275.6(ANKRD11):c.7798dup (p.Arg2600fs)

Gene: ANKRD11 (ankyrin repeat domain 11; minus strand). Cytogenetic location: 16q24.3.
Variant type: Duplication.
Coding change: c.7798dup on transcript NM_013275.6 (MANE Select); coding-DNA position 7798, one base duplicated (C; older notation c.7798dupC).
Protein change: p.Arg2600fs; shifts the reading frame from arginine 2600.
Molecular consequence: frameshift variant.
Genome position (GRCh38, 1-based): chr16:89,270,825, G duplicated on the plus strand (C on the coding strand, the reverse complement: ANKRD11 is on the minus strand); the first of 2 consecutive G bases (chr16:89,270,825-89,270,826); duplicating either gives the same sequence. VCF-style (leftmost placement, unchanged base first): chr16-89270824-C-CG. GRCh37 (hg19) VCF-style: chr16-89337232-C-CG.
Other names: c.7798dup, p.Arg2600fs (NM_001256182.2, NM_001256183.2); short protein forms R2600fs.
Identifiers: ClinVar variation 4849234 (VCV004849234.1).

ClinVar aggregate classification (germline): Likely pathogenic (1 of 4 stars; one submission).

Conditions:
KBG syndrome (KBGS). Also called: ANKRD11-Related KBG Syndrome. Identifiers: Orphanet 2332, MedGen C0220687, MONDO:0007846, OMIM 148050.

Submission:

Division of Genetic & Genomic Pathology, Hong Kong Children's Hospital
Classification: Likely pathogenic for KBG syndrome. Last evaluated: 2024-10-10. Review status: criteria provided, single submitter. Criteria: ACMG Guidelines, 2015. Collection method: clinical testing. Allele origin: de novo. Affected: yes.
Comment: ANKRD11 c.7798dup p.(Arg2600Profs*150) is a 1-bp duplication variant in exon 12 (out of 13 exons). It is located within the 3’-most 50 bp of the penultimate exon, and is predicted to cause frameshift without undergoing nonsense-mediated decay. ANKRD11 is curated as a gene with sufficient evidence for haploinsufficiency in ClinGen. This variant is absent in population control databases (gnomAD v4.1.0) and clinical databases (ClinVar and HGMD Professional 2024.3). For these reasons, this variant is classified as likely pathogenic.